The following is an entry in ClinVar:

ClinVar aggregate classification (germline): Uncertain significance (1 of 4 stars; one submission).

Conditions:
Catecholaminergic polymorphic ventricular tachycardia 1. Also called: VENTRICULAR TACHYCARDIA, CATECHOLAMINERGIC POLYMORPHIC, 1, WITH OR WITHOUT ATRIAL DYSFUNCTION AND/OR DILATED CARDIOMYOPATHY; RYR2-Related Catecholaminergic Polymorphic Ventricular Tachycardia; VENTRICULAR TACHYCARDIA, STRESS-INDUCED POLYMORPHIC 1. Identifiers: Orphanet 3286, MedGen C1631597, MONDO:0011484, OMIM 604772.

Allele frequency attached by ClinVar (database versions not stated): ExAC 0.00003.
gnomAD v4.1: 3 of 1,612,750 alleles (0.00019%); highest among the groups gnomAD compares: Non-Finnish European, 0.00025%; no homozygotes.

Submission:

Labcorp Genetics (formerly Invitae), Labcorp
Classification: Uncertain significance for Catecholaminergic polymorphic ventricular tachycardia 1. Last evaluated: 2025-09-23. Review status: criteria provided, single submitter. Criteria: Invitae Variant Classification Sherloc (09022015). Collection method: clinical testing. Allele origin: germline.
Comment: This sequence change falls in intron 10 of the RYR2 gene. It does not directly change the encoded amino acid sequence of the RYR2 protein. This variant is present in population databases (rs761606466, gnomAD 0.003%). This variant has not been reported in the literature in individuals affected with RYR2-related conditions. ClinVar contains an entry for this variant (Variation ID: 2078319). Algorithms developed to predict the effect of sequence changes on RNA splicing suggest that this variant may disrupt the consensus splice site. In summary, the available evidence is currently insufficient to determine the role of this variant in disease. Therefore, it has been classified as a Variant of Uncertain Significance.

NM_001035.3(RYR2):c.774-17T>G

Gene: RYR2 (ryanodine receptor 2; plus strand). Cytogenetic location: 1q43.
Variant type: single nucleotide variant.
Coding change: c.774-17T>G on transcript NM_001035.3 (MANE Select); 17 bases into the intron before coding-DNA position 774, T replaced by G.
Molecular consequence: intron variant.
Genome position (GRCh38, 1-based): chr1:237,417,032, T>G. VCF-style: chr1-237417032-T-G. GRCh37 (hg19) VCF-style: chr1-237580332-T-G.
Identifiers: ClinVar variation 2078319 (VCV002078319.2), dbSNP rs761606466, ClinGen allele CA087480.